The following is an entry in ClinVar:

NM_000466.3(PEX1):c.1494A>T (p.Glu498Asp)

Gene: PEX1 (peroxisomal biogenesis factor 1; minus strand). Cytogenetic location: 7q21.2.
Variant type: single nucleotide variant.
Coding change: c.1494A>T on transcript NM_000466.3 (MANE Select); coding-DNA position 1494, A replaced by T.
Protein change: p.Glu498Asp; replaces glutamic acid 498 with aspartic acid.
Molecular consequence: missense variant.
Genome position (GRCh38, 1-based): chr7:92,511,037, T>A on the plus strand (A>T on the coding strand, the complement: PEX1 is on the minus strand). VCF-style: chr7-92511037-T-A. GRCh37 (hg19) VCF-style: chr7-92140351-T-A.
Other names: c.1494A>T, p.Glu498Asp (NM_001282677.2); c.870A>T, p.Glu290Asp (NM_001282678.2); c.1494A>T (NM_000466.2); short protein forms E290D, E498D.
Identifiers: ClinVar variation 2144068 (VCV002144068.4), dbSNP rs774980172, ClinGen allele CA368190381.

ClinVar aggregate classification (germline): Uncertain significance. Review status: criteria provided, multiple submitters, no conflicts (2 of 4 stars). 3 submissions from 3 submitters: Uncertain significance (3). Last evaluated 2026-08-01.

Conditions:
Zellweger spectrum disorders (ZS). Also called: Zellweger syndrome; Zellweger Spectrum Disorder (ZSD); Zellweger Spectrum Disorder; Zellweger Spectrum. Identifiers: Orphanet 912, MedGen C0043459, MONDO:0019609.
PEX1-related disorder. Also called: PEX1-related condition.
Inborn genetic diseases. Identifiers: MedGen C0950123, MeSH D030342.

gnomAD v4.1: 3 of 1,465,142 alleles (0.0002%); highest among the groups gnomAD compares: Non-Finnish European, 0.00019%; no homozygotes.

Submissions (3):

PreventionGenetics, part of Exact Sciences
Classification: Uncertain significance for PEX1-related condition. Last evaluated: 2026-08-01. Review status: criteria provided, single submitter. Criteria: ACMG Guidelines, 2015. Collection method: clinical testing. Allele origin: germline.
Comment: The PEX1 c.1494A>T variant is predicted to result in the amino acid substitution p.Glu498Asp. To our knowledge, this variant has not been reported in the literature. This variant is reported in 0.00089% of alleles in individuals of European (Non-Finnish) descent in gnomAD. At this time, the clinical significance of this variant is uncertain due to the absence of conclusive functional and genetic evidence.

Labcorp Genetics (formerly Invitae), Labcorp
Classification: Uncertain significance for Zellweger spectrum disorders. Last evaluated: 2024-10-07. Review status: criteria provided, single submitter. Criteria: Invitae Variant Classification Sherloc (09022015). Collection method: clinical testing. Allele origin: germline.
Comment: This sequence change replaces glutamic acid, which is acidic and polar, with aspartic acid, which is acidic and polar, at codon 498 of the PEX1 protein (p.Glu498Asp). This variant is present in population databases (no rsID available, gnomAD 0.0009%). This variant has not been reported in the literature in individuals affected with PEX1-related conditions. ClinVar contains an entry for this variant (Variation ID: 2144068). Invitae Evidence Modeling of protein sequence and biophysical properties (such as structural, functional, and spatial information, amino acid conservation, physicochemical variation, residue mobility, and thermodynamic stability) indicates that this missense variant is not expected to disrupt PEX1 protein function with a negative predictive value of 95%. In summary, the available evidence is currently insufficient to determine the role of this variant in disease. Therefore, it has been classified as a Variant of Uncertain Significance.

Ambry Genetics
Classification: Uncertain significance for Inborn genetic diseases. Last evaluated: 2024-04-22. Review status: criteria provided, single submitter. Criteria: Ambry Variant Classification Scheme 2023. Collection method: clinical testing. Allele origin: germline.